The following is an entry in ClinVar:

NM_001105206.3(LAMA4):c.3322C>T (p.His1108Tyr)

Gene: LAMA4 (laminin subunit alpha 4; minus strand). Cytogenetic location: 6q21.
Variant type: single nucleotide variant.
Coding change: c.3322C>T on transcript NM_001105206.3 (MANE Select); coding-DNA position 3322, C replaced by T.
Protein change: p.His1108Tyr; replaces histidine 1108 with tyrosine.
Molecular consequence: missense variant.
Genome position (GRCh38, 1-based): chr6:112,136,215, G>A on the plus strand (C>T on the coding strand, the complement: LAMA4 is on the minus strand). VCF-style: chr6-112136215-G-A. GRCh37 (hg19) VCF-style: chr6-112457417-G-A.
Other names: c.3301C>T (LRG_433t2); c.3301C>T, p.His1101Tyr (NM_001105207.3, NM_002290.5); short protein forms H1101Y, H1108Y.
Identifiers: ClinVar variation 191683 (VCV000191683.2), dbSNP rs201660110, ClinGen allele CA237255.
Genomic context (GRCh38, chr6:112,136,215, plus strand): 5'-TCTTTAACGTATCTTCAAGATGCACAGGGCCACCGCTGAATCCAAAATCATAGAACACAT[G>A]TAGGTAACCATTGCGCATTTCCAGTCTGAAAAACATACTCTGAGGAGAGAAAGGAATTGT-3'
Protein context (NP_001098676.2, residues 1098-1118): FRLEMRNGYL[His1108Tyr]VFYDFGFSGG

ClinVar aggregate classification (germline): Uncertain significance. Review status: criteria provided, multiple submitters, no conflicts (2 of 4 stars). 2 submissions from 2 submitters: Uncertain significance (2). Last evaluated 2023-09-28.

Conditions:
Cardiovascular phenotype. Identifiers: MedGen CN230736.

Allele frequency attached by ClinVar (database versions not stated): gnomAD below 0.00001 and 0.00002; TOPMed 0.00001; gnomAD exomes 0.00002 and 0.00004; ExAC 0.00004.
gnomAD v4.1: 26 of 1,611,820 alleles (0.0016%); highest among the groups gnomAD compares: South Asian, 0.026%; no homozygotes.

Submissions (2):

Ambry Genetics
Classification: Uncertain significance for Cardiovascular phenotype. Last evaluated: 2023-09-28. Review status: criteria provided, single submitter. Criteria: Ambry Variant Classification Scheme 2023. Collection method: clinical testing. Allele origin: germline.
Comment: The p.H1101Y variant (also known as c.3301C>T), located in coding exon 24 of the LAMA4 gene, results from a C to T substitution at nucleotide position 3301. The histidine at codon 1101 is replaced by tyrosine, an amino acid with similar properties. This amino acid position is not well conserved in available vertebrate species. In addition, this alteration is predicted to be tolerated by in silico analysis. The evidence for this gene-disease relationship is limited; therefore, the clinical significance of this alteration is unclear.

Biesecker Lab/Clinical Genomics Section, National Institutes of Health
Classification: Uncertain significance. Last evaluated: 2013-06-24. Review status: criteria provided, single submitter. Criteria: Ng et al. (Circ Cardiovasc Genet. 2013). Collection method: research. Allele origin: unknown. Observed: 1 variant allele. Study: ClinSeq.
Comment: The study set was not selected for affection status in relation to any cancer. Pathogenicity categories were based on literature curation. See Pubmed ID:23861362 for details.

Medical sequencing